The following is an entry in ClinVar:

NM_032043.3(BRIP1):c.1270A>C (p.Ser424Arg)

Gene: BRIP1 (BRCA1 interacting DNA helicase 1; minus strand). Cytogenetic location: 17q23.2.
Variant type: single nucleotide variant.
Coding change: c.1270A>C on transcript NM_032043.3 (MANE Select); coding-DNA position 1270, A replaced by C.
Protein change: p.Ser424Arg; replaces serine 424 with arginine.
Molecular consequence: missense variant.
Genome position (GRCh38, 1-based): chr17:61,799,170, T>G on the plus strand (A>C on the coding strand, the complement: BRIP1 is on the minus strand). VCF-style: chr17-61799170-T-G. GRCh37 (hg19) VCF-style: chr17-59876531-T-G.
Other names: short protein forms S424R.
Identifiers: ClinVar variation 818749 (VCV000818749.7), dbSNP rs1028779004, ClinGen allele CA400483563.
Genomic context (GRCh38, chr17:61,799,170, plus strand): 5'-TACAGCACACAGCTCGTAGGGGTTCATGATCTTTCTTCCTTATATTATTGTTGACCATAC[T>G]ATCTAGTTCATCCCGAGCAAACCGAAGCTGAACTTCTGTTACACTGTAACTTGCTGATTC-3'
Protein context (NP_114432.2, residues 414-434): QLRFARDELD[Ser424Arg]MVNNNIRKKD

ClinVar aggregate classification (germline): Uncertain significance. Review status: criteria provided, multiple submitters, no conflicts (2 of 4 stars). 2 submissions from 2 submitters: Uncertain significance (2). Last evaluated 2023-11-24.

Conditions:
Familial cancer of breast. Also called: Hereditary breast cancer; hereditary breast carcinoma; BREAST CANCER, FAMILIAL. Identifiers: Orphanet 227535, MedGen C0346153, MONDO:0016419, OMIM 114480. Disease mechanism: loss of function.
Fanconi anemia complementation group J. Also called: BRIP1-Related Fanconi Anemia. Identifiers: Orphanet 84, MedGen C1836860, MONDO:0012187, OMIM 609054.
Hereditary cancer-predisposing syndrome. Also called: Hereditary Cancer Syndrome; Neoplastic Syndromes, Hereditary; Hereditary neoplastic syndrome; Tumor predisposition. Identifiers: Orphanet 140162, MedGen C0027672, MeSH D009386, MONDO:0015356.

Submissions (2):

Labcorp Genetics (formerly Invitae), Labcorp
Classification: Uncertain significance for Familial cancer of breast; Fanconi anemia complementation group J. Last evaluated: 2023-11-24. Review status: criteria provided, single submitter. Criteria: Invitae Variant Classification Sherloc (09022015). Collection method: clinical testing. Allele origin: germline.
Comment: This sequence change replaces serine, which is neutral and polar, with arginine, which is basic and polar, at codon 424 of the BRIP1 protein (p.Ser424Arg). This variant is not present in population databases (gnomAD no frequency). This variant has not been reported in the literature in individuals affected with BRIP1-related conditions. ClinVar contains an entry for this variant (Variation ID: 818749). Advanced modeling of protein sequence and biophysical properties (such as structural, functional, and spatial information, amino acid conservation, physicochemical variation, residue mobility, and thermodynamic stability) performed at Invitae indicates that this missense variant is not expected to disrupt BRIP1 protein function with a negative predictive value of 80%. In summary, the available evidence is currently insufficient to determine the role of this variant in disease. Therefore, it has been classified as a Variant of Uncertain Significance.

Ambry Genetics
Classification: Uncertain significance for Hereditary cancer-predisposing syndrome. Last evaluated: 2021-06-17. Review status: criteria provided, single submitter. Criteria: Ambry Variant Classification Scheme 2023. Collection method: clinical testing. Allele origin: germline.
Comment: The p.S424R variant (also known as c.1270A>C), located in coding exon 8 of the BRIP1 gene, results from an A to C substitution at nucleotide position 1270. The serine at codon 424 is replaced by arginine, an amino acid with dissimilar properties. This amino acid position is not well conserved in available vertebrate species. In addition, this alteration is predicted to be tolerated by in silico analysis. Since supporting evidence is limited at this time, the clinical significance of this alteration remains unclear.